The following is an entry in ClinVar:

ClinVar aggregate classification (germline): Pathogenic/Likely pathogenic. Review status: criteria provided, multiple submitters, no conflicts (2 of 4 stars). 3 submissions from 3 submitters: Pathogenic (2); Likely pathogenic (1). Last evaluated 2026-09-01.

Conditions:
VWF-related disorder. Also called: VWF-related condition; VWF-related disorders.

Submissions (3):

CeGaT Center for Human Genetics Tuebingen
Classification: Pathogenic. Last evaluated: 2026-09-01. Review status: criteria provided, single submitter. Criteria: CeGaT Center For Human Genetics Tuebingen Variant Classification Criteria Version 2. Collection method: clinical testing. Allele origin: germline. Affected: yes. Observed: 1 variant allele.
Comment: VWF: PS4, PVS1:Strong, PM2

GeneDx
Classification: Likely pathogenic. Last evaluated: 2024-09-29. Review status: criteria provided, single submitter. Criteria: GeneDx Variant Classification Process June 2021. Collection method: clinical testing. Allele origin: germline. Affected: yes.
Comment: Frameshift variant predicted to result in abnormal protein length as the last 6 amino acids are replaced with 23 different amino acids; Not observed at significant frequency in large population cohorts (gnomAD); This variant is associated with the following publications: (PMID: 28453889, 33550700, 17190853, 35343054, 23311757)

PreventionGenetics, part of Exact Sciences
Classification: Pathogenic for VWF-related condition. Last evaluated: 2023-04-19. Review status: criteria provided, single submitter. Criteria: ACMG Guidelines, 2015. Collection method: clinical testing. Allele origin: germline.
Comment: The VWF c.8419_8422dupTCCC variant is predicted to result in a frameshift and premature protein termination (p.Pro2808Leufs*24). XXXXXXXXXXXXXXXXXXXXXXXXXXXXXXX which is predicted to result in a frameshift and extension of the normal open reading frame (p.Pro2808Leufs*24) (the canonical stop codon is at position p.2814). This variant has been reported in individuals with von Willebrand disease 1 (James et al. 2007. PubMed ID: 17190853). This variant has also been reported in the homozygous or compound heterozygous states in multiple individuals with von Willebrand disease 3 (Bowman et al. 2013. PubMed ID: 23311757; Bowman et al. 2017. PubMed ID: 28453889). This variant has not been reported in a large population database, indicating this variant is rare. This variant is interpreted as pathogenic.

NM_000552.5(VWF):c.8419_8422dup (p.Pro2808fs)

Gene: VWF (von Willebrand factor; minus strand). Cytogenetic location: 12p13.31.
Variant type: Duplication.
Coding change: c.8419_8422dup on transcript NM_000552.5 (MANE Select); coding-DNA positions 8419 to 8422, 4 bases duplicated (TCCC; older notation c.8419_8422dupTCCC).
Protein change: p.Pro2808fs; shifts the reading frame from proline 2808.
Molecular consequence: frameshift variant.
Genome position (GRCh38, 1-based): chr12:5,949,035-5,949,038, GGGA duplicated on the plus strand (TCCC on the coding strand, the reverse complement: VWF is on the minus strand); duplicating any 4 consecutive bases within chr12:5,949,035-5,949,039 gives the same sequence; the c. name uses the placement nearest the transcript's 3' end. VCF-style (leftmost placement, unchanged base first): chr12-5949034-G-GGGGA. GRCh37 (hg19) VCF-style: chr12-6058200-G-GGGGA.
Other names: c.8419_8422dup (NM_000552.3); short protein forms P2808fs.
Identifiers: ClinVar variation 2628675 (VCV002628675.3), dbSNP rs1414503929, ClinGen allele CA690454659.